The following is an entry in ClinVar:

ClinVar aggregate classification (germline): Uncertain significance (1 of 4 stars; one submission).

Conditions:
Inborn genetic diseases. Identifiers: MedGen C0950123, MeSH D030342.

Submission:

Ambry Genetics
Classification: Uncertain significance for Inborn genetic diseases. Last evaluated: 2016-12-16. Review status: criteria provided, single submitter. Criteria: Ambry Variant Classification Scheme 2023. Collection method: clinical testing. Allele origin: germline.
Comment: The p.D2372G variant (also known as c.7115A>G), located in coding exon 38 of the VPS13B gene, results from an A to G substitution at nucleotide position 7115. The aspartic acid at codon 2372 is replaced by glycine, an amino acid with similar properties. This amino acid position is highly conserved in available vertebrate species. In addition, this alteration is predicted to be deleterious by in silico analysis. Since supporting evidence is limited at this time, the clinical significance of this variant remains unclear.

NM_152564.5(VPS13B):c.7040A>G (p.Asp2347Gly)

Gene: VPS13B (vacuolar protein sorting 13 homolog B; plus strand). Cytogenetic location: 8q22.2.
Variant type: single nucleotide variant.
Coding change: c.7040A>G on transcript NM_152564.5 (MANE Select); coding-DNA position 7040, A replaced by G.
Protein change: p.Asp2347Gly; replaces aspartic acid 2347 with glycine.
Molecular consequence: missense variant.
Genome position (GRCh38, 1-based): chr8:99,721,037, A>G. VCF-style: chr8-99721037-A-G. GRCh37 (hg19) VCF-style: chr8-100733265-A-G.
Other names: c.7115A>G, p.Asp2372Gly (NM_017890.5); short protein forms D2347G, D2372G.
Identifiers: ClinVar variation 588561 (VCV000588561.5), dbSNP rs1563881705, ClinGen allele CA371868681.